The following is an entry in ClinVar:

ClinVar aggregate classification (germline): Uncertain significance (1 of 4 stars; one submission).

Conditions:
RASopathy. Also called: rasopathies; Noonan spectrum disorder. Identifiers: Orphanet 536391, MedGen C5555857, MONDO:0021060.

Submission:

Labcorp Genetics (formerly Invitae), Labcorp
Classification: Uncertain significance for RASopathy. Last evaluated: 2021-10-04. Review status: criteria provided, single submitter. Criteria: Invitae Variant Classification Sherloc (09022015). Collection method: clinical testing. Allele origin: germline.
Comment: In summary, the available evidence is currently insufficient to determine the role of this variant in disease. Therefore, it has been classified as a Variant of Uncertain Significance. This variant has not been reported in the literature in individuals affected with MAP2K2-related conditions. This variant is not present in population databases (ExAC no frequency). This sequence change creates a premature translational stop signal (p.Phe213Leufs*3) in the MAP2K2 gene. It is expected to result in an absent or disrupted protein product. However, the current clinical and genetic evidence is not sufficient to establish whether loss-of-function variants in MAP2K2 cause disease.

NM_030662.4(MAP2K2):c.639del (p.Phe213fs)

Gene: MAP2K2 (mitogen-activated protein kinase kinase 2; minus strand). Cytogenetic location: 19p13.3.
Variant type: Deletion.
Coding change: c.639del on transcript NM_030662.4 (MANE Select); coding-DNA position 639, one base deleted (C; older notation c.639delC).
Protein change: p.Phe213fs; shifts the reading frame from phenylalanine 213.
Molecular consequence: frameshift variant.
Genome position (GRCh38, 1-based): chr19:4,101,085, G deleted on the plus strand (C on the coding strand, the reverse complement: MAP2K2 is on the minus strand). VCF-style (leftmost placement, unchanged base first): chr19-4101084-CG-C. GRCh37 (hg19) VCF-style: chr19-4101082-CG-C.
Other names: short protein forms F213fs.
Identifiers: ClinVar variation 1384483 (VCV001384483.6), dbSNP rs2145054190, ClinGen allele CA2573155869.